The following is an entry in ClinVar:

NM_001849.4(COL6A2):c.770C>T (p.Pro257Leu)

Gene: COL6A2 (collagen type VI alpha 2 chain; plus strand). Cytogenetic location: 21q22.3.
Variant type: single nucleotide variant.
Coding change: c.770C>T on transcript NM_001849.4 (MANE Select); coding-DNA position 770, C replaced by T.
Protein change: p.Pro257Leu; replaces proline 257 with leucine.
Molecular consequence: missense variant.
Genome position (GRCh38, 1-based): chr21:46,114,042, C>T. VCF-style: chr21-46114042-C-T. GRCh37 (hg19) VCF-style: chr21-47533956-C-T.
Other names: c.770C>T, p.Pro257Leu (NM_058174.3, NM_058175.3); short protein forms P257L.
Identifiers: ClinVar variation 2185146 (VCV002185146.4), dbSNP rs2078438365, ClinGen allele CA410523508.

ClinVar aggregate classification (germline): Uncertain significance (1 of 4 stars; one submission).

Conditions:
Bethlem myopathy 1A. Also called: Bethlem Muscular Dystrophy; MYOPATHY, BENIGN CONGENITAL, WITH CONTRACTURES; Bethlem myopathy 1. Identifiers: Orphanet 610, MedGen CN029274, MONDO:0024530, OMIM 158810.

Submission:

Labcorp Genetics (formerly Invitae), Labcorp
Classification: Uncertain significance for Bethlem myopathy 1A. Last evaluated: 2022-04-05. Review status: criteria provided, single submitter. Criteria: Invitae Variant Classification Sherloc (09022015). Collection method: clinical testing. Allele origin: germline.
Comment: This variant is not present in population databases (gnomAD no frequency). This sequence change replaces proline, which is neutral and non-polar, with leucine, which is neutral and non-polar, at codon 257 of the COL6A2 protein (p.Pro257Leu). This variant has not been reported in the literature in individuals affected with COL6A2-related conditions. In summary, the available evidence is currently insufficient to determine the role of this variant in disease. Therefore, it has been classified as a Variant of Uncertain Significance. Advanced modeling of protein sequence and biophysical properties (such as structural, functional, and spatial information, amino acid conservation, physicochemical variation, residue mobility, and thermodynamic stability) performed at Invitae indicates that this missense variant is not expected to disrupt COL6A2 protein function.